The following is an entry in ClinVar:

NM_001031689.3(PLAA):c.2194A>G (p.Ile732Val)

Gene: PLAA (phospholipase A2 activating protein; minus strand). Cytogenetic location: 9p21.2.
Variant type: single nucleotide variant.
Coding change: c.2194A>G on transcript NM_001031689.3 (MANE Select); coding-DNA position 2194, A replaced by G.
Protein change: p.Ile732Val; replaces isoleucine 732 with valine.
Molecular consequence: missense variant.
Genome position (GRCh38, 1-based): chr9:26,905,705, T>C on the plus strand (A>G on the coding strand, the complement: PLAA is on the minus strand). VCF-style: chr9-26905705-T-C. GRCh37 (hg19) VCF-style: chr9-26905703-T-C.
Other names: c.2125A>G, p.Ile709Val (NM_001321546.2); c.2194A>G (NM_001031689.2); short protein forms I732V, I709V.
Identifiers: ClinVar variation 1400149 (VCV001400149.6), dbSNP rs147771284, ClinGen allele CA5014158.

ClinVar aggregate classification (germline): Conflicting classifications of pathogenicity. Review status: criteria provided, conflicting classifications (1 of 4 stars). 2 submissions from 2 submitters: Uncertain significance (1); Likely benign (1). Last evaluated 2025-08-23.

Conditions:
Inborn genetic diseases. Identifiers: MedGen C0950123, MeSH D030342.

Allele frequency attached by ClinVar (database versions not stated): gnomAD 0.00002; gnomAD exomes 0.00004 and 0.00010; TOPMed 0.00004; ESP Exome Variant Server 0.00015; ExAC 0.00017.
gnomAD v4.1: 67 of 1,614,100 alleles (0.0042%); highest among the groups gnomAD compares: Non-Finnish European, 0.0049%; no homozygotes.

Submissions (2):

Ambry Genetics
Classification: Likely benign for Inborn genetic diseases. Last evaluated: 2025-08-23. Review status: criteria provided, single submitter. Criteria: Ambry Variant Classification Scheme 2023. Collection method: clinical testing. Allele origin: germline.

Labcorp Genetics (formerly Invitae), Labcorp
Classification: Uncertain significance. Last evaluated: 2022-07-23. Review status: criteria provided, single submitter. Criteria: Invitae Variant Classification Sherloc (09022015). Collection method: clinical testing. Allele origin: germline.
Comment: This sequence change replaces isoleucine, which is neutral and non-polar, with valine, which is neutral and non-polar, at codon 732 of the PLAA protein (p.Ile732Val). This variant is present in population databases (rs147771284, gnomAD 0.02%). This variant has not been reported in the literature in individuals affected with PLAA-related conditions. ClinVar contains an entry for this variant (Variation ID: 1400149). Algorithms developed to predict the effect of missense changes on protein structure and function output the following: SIFT: "Tolerated"; PolyPhen-2: "Benign"; Align-GVGD: "Class C0". The valine amino acid residue is found in multiple mammalian species, which suggests that this missense change does not adversely affect protein function. In summary, the available evidence is currently insufficient to determine the role of this variant in disease. Therefore, it has been classified as a Variant of Uncertain Significance.